The following is an entry in ClinVar:

ClinVar aggregate classification (germline): Uncertain significance. Review status: criteria provided, multiple submitters, no conflicts (2 of 4 stars). 2 submissions from 2 submitters: Uncertain significance (2). Last evaluated 2025-05-22.

Allele frequency attached by ClinVar (database versions not stated): ExAC 0.00003; gnomAD 0.00003 and 0.00004; ESP Exome Variant Server 0.00008.
gnomAD v4.1: 60 of 1,613,256 alleles (0.0037%); highest among the groups gnomAD compares: African/African-American, 0.011%; no homozygotes.

Submissions (2):

GeneDx
Classification: Uncertain significance. Last evaluated: 2025-05-22. Review status: criteria provided, single submitter. Criteria: GeneDx Variant Classification Process June 2021. Collection method: clinical testing. Allele origin: germline. Affected: yes.
Comment: In silico analysis suggests that this missense variant does not alter protein structure/function; Has not been previously published as pathogenic or benign to our knowledge

Labcorp Genetics (formerly Invitae), Labcorp
Classification: Uncertain significance. Last evaluated: 2022-07-18. Review status: criteria provided, single submitter. Criteria: Invitae Variant Classification Sherloc (09022015). Collection method: clinical testing. Allele origin: germline.
Comment: In summary, the available evidence is currently insufficient to determine the role of this variant in disease. Therefore, it has been classified as a Variant of Uncertain Significance. Algorithms developed to predict the effect of missense changes on protein structure and function output the following: SIFT: "Not Available"; PolyPhen-2: "Benign"; Align-GVGD: "Not Available". The histidine amino acid residue is found in multiple mammalian species, which suggests that this missense change does not adversely affect protein function. ClinVar contains an entry for this variant (Variation ID: 1518909). This variant has not been reported in the literature in individuals affected with HGF-related conditions. This variant is present in population databases (rs148293411, gnomAD 0.02%). This sequence change replaces arginine, which is basic and polar, with histidine, which is basic and polar, at codon 468 of the HGF protein (p.Arg468His).

NM_000601.6(HGF):c.1403G>A (p.Arg468His)

Gene: HGF (hepatocyte growth factor; minus strand). Cytogenetic location: 7q21.11.
Variant type: single nucleotide variant.
Coding change: c.1403G>A on transcript NM_000601.6 (MANE Select); coding-DNA position 1403, G replaced by A.
Protein change: p.Arg468His; replaces arginine 468 with histidine.
Molecular consequence: missense variant.
Genome position (GRCh38, 1-based): chr7:81,717,234, C>T on the plus strand (G>A on the coding strand, the complement: HGF is on the minus strand). VCF-style: chr7-81717234-C-T. GRCh37 (hg19) VCF-style: chr7-81346550-C-T.
Other names: c.1388G>A, p.Arg463His (NM_001010932.3); c.1403G>A (NM_000601.4); short protein forms R463H, R468H.
Identifiers: ClinVar variation 1518909 (VCV001518909.7), dbSNP rs148293411, ClinGen allele CA4316918.